The following is an entry in ClinVar:

NM_000552.5(VWF):c.3444C>G (p.Ser1148Arg)

Gene: VWF (von Willebrand factor; minus strand). Cytogenetic location: 12p13.31.
Variant type: single nucleotide variant.
Coding change: c.3444C>G on transcript NM_000552.5 (MANE Select); coding-DNA position 3444, C replaced by G.
Protein change: p.Ser1148Arg; replaces serine 1148 with arginine.
Molecular consequence: missense variant.
Genome position (GRCh38, 1-based): chr12:6,022,834, G>C on the plus strand (C>G on the coding strand, the complement: VWF is on the minus strand). VCF-style: chr12-6022834-G-C. GRCh37 (hg19) VCF-style: chr12-6132000-G-C.
Other names: short protein forms S1148R.
Identifiers: ClinVar variation 3765778 (VCV003765778.1).
Genomic context (GRCh38, chr12:6,022,834, plus strand): 5'-CTGCACAGGGCAGGCCAGTGGCTCAGGGTGCTGACACGTGACTTGACAGGCAGGTGCACA[G>C]CTGTTATAGCGCCACTCACACTCATACCCGTTCTCCCGGAGATTCCTCTCCTCGCAGCTC-3'
Protein context (NP_000543.3, residues 1138-1158): NGYECEWRYN[Ser1148Arg]CAPACQVTCQ

ClinVar aggregate classification (germline): Uncertain significance (1 of 4 stars; one submission).

Submission:

Greenwood Genetic Center Diagnostic Laboratories, Greenwood Genetic Center
Classification: Uncertain significance. Last evaluated: 2024-11-20. Review status: criteria provided, single submitter. Criteria: ACMG Guidelines, 2015. Collection method: clinical testing. Allele origin: germline. Affected: yes.
Comment: PM2, PP2, PP3